The following is an entry in ClinVar:

NM_000287.4(PEX6):c.2300+39G>A

Gene: PEX6 (peroxisomal biogenesis factor 6; minus strand). Cytogenetic location: 6p21.1.
Variant type: single nucleotide variant.
Coding change: c.2300+39G>A on transcript NM_000287.4 (MANE Select); 39 bases into the intron after coding-DNA position 2300, G replaced by A.
Molecular consequence: intron variant.
Genome position (GRCh38, 1-based): chr6:42,966,203, C>T on the plus strand (G>A on the coding strand, the complement: PEX6 is on the minus strand). VCF-style: chr6-42966203-C-T. GRCh37 (hg19) VCF-style: chr6-42933941-C-T.
Other names: c.2036+39G>A (NM_001316313.2).
Identifiers: ClinVar variation 4988484 (VCV004988484.1).

ClinVar aggregate classification (germline): Likely benign (1 of 4 stars; one submission).

Conditions:
PEX6-related disorder. Also called: PEX6-related disorders; PEX6-related condition.

Submission:

PreventionGenetics, part of Exact Sciences
Classification: Likely benign for PEX6-related condition. Last evaluated: 2025-05-14. Review status: criteria provided, single submitter. Criteria: ACMG Guidelines, 2015. Collection method: clinical testing. Allele origin: germline.
Comment: This variant is classified as likely benign based on ACMG/AMP sequence variant interpretation guidelines (Richards et al. 2015 PMID: 25741868, with internal and published modifications).